The following is an entry in ClinVar:

ClinVar aggregate classification (germline): Uncertain significance (1 of 4 stars; one submission).

Conditions:
Familial cancer of breast. Also called: hereditary breast carcinoma; BREAST CANCER, FAMILIAL; Hereditary breast cancer. Identifiers: Orphanet 227535, MedGen C0346153, MONDO:0016419, OMIM 114480. Disease mechanism: loss of function.
Fanconi anemia complementation group J. Also called: BRIP1-Related Fanconi Anemia. Identifiers: Orphanet 84, MedGen C1836860, MONDO:0012187, OMIM 609054.

Submission:

Labcorp Genetics (formerly Invitae), Labcorp
Classification: Uncertain significance for Familial cancer of breast; Fanconi anemia complementation group J. Last evaluated: 2020-06-10. Review status: criteria provided, single submitter. Criteria: Invitae Variant Classification Sherloc (09022015). Collection method: clinical testing. Allele origin: germline.
Comment: This variant has not been reported in the literature in individuals with BRIP1-related conditions. This variant is not present in population databases (ExAC no frequency). This sequence change replaces serine with proline at codon 1095 of the BRIP1 protein (p.Ser1095Pro). The serine residue is weakly conserved and there is a moderate physicochemical difference between serine and proline. In summary, the available evidence is currently insufficient to determine the role of this variant in disease. Therefore, it has been classified as a Variant of Uncertain Significance. Algorithms developed to predict the effect of missense changes on protein structure and function output the following: SIFT: "Tolerated"; PolyPhen-2: "Benign"; Align-GVGD: "Class C0". The proline amino acid residue is found in multiple mammalian species, suggesting that this missense change does not adversely affect protein function. These predictions have not been confirmed by published functional studies and their clinical significance is uncertain.

NM_032043.3(BRIP1):c.3283T>C (p.Ser1095Pro)

Gene: BRIP1 (BRCA1 interacting DNA helicase 1; minus strand). Cytogenetic location: 17q23.2.
Variant type: single nucleotide variant.
Coding change: c.3283T>C on transcript NM_032043.3 (MANE Select); coding-DNA position 3283, T replaced by C.
Protein change: p.Ser1095Pro; replaces serine 1095 with proline.
Molecular consequence: missense variant.
Genome position (GRCh38, 1-based): chr17:61,683,763, A>G on the plus strand (T>C on the coding strand, the complement: BRIP1 is on the minus strand). VCF-style: chr17-61683763-A-G. GRCh37 (hg19) VCF-style: chr17-59761124-A-G.
Other names: short protein forms S1095P.
Identifiers: ClinVar variation 853157 (VCV000853157.10), dbSNP rs2061313248, ClinGen allele CA400479061.
Genomic context (GRCh38, chr17:61,683,763, plus strand): 5'-ACTGTTTATCTTCTTCACTTACTAGAGACAATTCAATGTCTGGATCCAGGGCTTCTTCAG[A>G]ACAGAGCGGATGTTCAGAATGATTTTTTCTAGTAAGGGTGGCATCAATCTTTAATGATGA-3'
Protein context (NP_114432.2, residues 1085-1105): RKNHSEHPLC[Ser1095Pro]EEALDPDIEL